The following is an entry in ClinVar:

NM_032119.4(ADGRV1):c.10228G>A (p.Val3410Met)

Gene: ADGRV1 (adhesion G protein-coupled receptor V1; plus strand). Cytogenetic location: 5q14.3.
Variant type: single nucleotide variant.
Coding change: c.10228G>A on transcript NM_032119.4 (MANE Select); coding-DNA position 10228, G replaced by A.
Protein change: p.Val3410Met; replaces valine 3410 with methionine.
Molecular consequence: missense variant. On other transcripts: non-coding transcript variant (1).
Genome position (GRCh38, 1-based): chr5:90,728,735, G>A. VCF-style: chr5-90728735-G-A. GRCh37 (hg19) VCF-style: chr5-90024552-G-A.
Other names: short protein forms V3410M.
Identifiers: ClinVar variation 861626 (VCV000861626.20), dbSNP rs1996552, ClinGen allele CA3340710.

ClinVar aggregate classification (germline): Conflicting classifications of pathogenicity. Review status: criteria provided, conflicting classifications (1 of 4 stars). 7 submissions from 7 submitters: Uncertain significance (5); Likely benign (2). Last evaluated 2026-04-30.

Conditions:
ADGRV1-related disorder. Also called: ADGRV1-related condition; ADGRV1-related disorders.
Usher syndrome type 2C. Also called: Usher syndrome, type 2B; USHER SYNDROME, TYPE IIC. Identifiers: Orphanet 231178, Orphanet 886, MedGen C2931213, MONDO:0011558, OMIM 605472.

Allele frequency attached by ClinVar (database versions not stated): gnomAD 0.00016; TOPMed 0.00017; gnomAD exomes 0.00033 and 0.00018; ExAC 0.00020; ESP Exome Variant Server 0.00024.
gnomAD v4.1: 490 of 1,613,778 alleles (0.03%); highest among the groups gnomAD compares: Non-Finnish European, 0.038%; 1 homozygote.

Submissions (7):

GeneDx
Classification: Uncertain significance. Last evaluated: 2026-04-30. Review status: criteria provided, single submitter. Criteria: GeneDx Variant Classification Process June 2021. Collection method: clinical testing. Allele origin: germline.
Comment: In silico analysis suggests that this missense variant does not alter protein structure/function; Has not been previously published as pathogenic or benign to our knowledge

PreventionGenetics, part of Exact Sciences
Classification: Uncertain significance for ADGRV1-related condition. Last evaluated: 2026-03-28. Review status: criteria provided, single submitter. Criteria: ACMG Guidelines, 2015. Collection method: clinical testing. Allele origin: germline.
Comment: The ADGRV1 c.10228G>A variant is predicted to result in the amino acid substitution p.Val3410Met. To our knowledge, this variant has not been reported in the literature. This variant is reported in 0.044% of alleles in individuals of European (Finnish) descent in gnomAD. At this time, the clinical significance of this variant is uncertain due to the absence of conclusive functional and genetic evidence.

Labcorp Genetics (formerly Invitae), Labcorp
Classification: Likely benign. Last evaluated: 2026-01-17. Review status: criteria provided, single submitter. Criteria: Invitae Variant Classification Sherloc (09022015). Collection method: clinical testing. Allele origin: germline.

Women's Health and Genetics/Laboratory Corporation of America, LabCorp
Classification: Uncertain significance. Last evaluated: 2025-12-11. Review status: criteria provided, single submitter. Criteria: LabCorp Variant Classification Summary - May 2015. Collection method: clinical testing. Allele origin: germline.
Comment: Variant summary: ADGRV1 c.10228G>A (p.Val3410Met) results in a conservative amino acid change in the encoded protein sequence. Algorithms developed to predict the effect of missense changes on protein structure and function all suggest that this variant is likely to be tolerated. The variant allele was found at a frequency of 0.00018 in 249184 control chromosomes (gnomAD). This frequency is not significantly higher than estimated for disease-causing variants in ADGRV1, allowing no conclusion about variant significance. To our knowledge, no occurrence of c.10228G>A in individuals affected with ADGRV1-related conditions and no experimental evidence demonstrating its impact on protein function have been reported. ClinVar contains an entry for this variant (Variation ID: 861626). Based on the evidence outlined above, the variant was classified as uncertain significance.

Blueprint Genetics
Classification: Uncertain significance. Last evaluated: 2024-09-10. Review status: criteria provided, single submitter. Criteria: ACMG Guidelines, 2015. Collection method: clinical testing. Allele origin: germline.

Laboratory for Molecular Medicine, Mass General Brigham Personalized Medicine
Classification: Likely benign. Last evaluated: 2019-05-28. Review status: criteria provided, single submitter. Criteria: LMM Criteria. Collection method: clinical testing. Allele origin: germline. Observed: 1 variant allele.
Comment: The p.Val3410Met variant in ADGRV1 is classified as likely benign due to a lack of conservation across species. Over 10 mammals carry a methionine (Met) at this position despite high nearby amino acid conservation. It has been identified in 0.04% (11/25010) of European chromosomes by gnomAD. ACMG/AMP Criteria applied: BP4_Strong.

Illumina Laboratory Services, Illumina
Classification: Uncertain significance for Usher syndrome type 2C. Last evaluated: 2018-01-12. Review status: criteria provided, single submitter. Criteria: ICSL Variant Classification Criteria 13 December 2019. Collection method: clinical testing. Allele origin: germline.